The following is an entry in ClinVar:

ClinVar aggregate classification (germline): Benign. Review status: criteria provided, single submitter (1 of 4 stars). 2 submissions from 2 submitters: Benign (1). 1 of the submissions does not count toward it. Last evaluated 2023-10-28.

Conditions:
CHD7-related disorder. Also called: CHD7-related condition.
CHARGE syndrome (CHARGE). Also called: Hittner Hirsch Kreh syndrome; CHARGE ASSOCIATION--COLOBOMA, HEART ANOMALY, CHOANAL ATRESIA, RETARDATION, GENITAL AND EAR ANOMALIES; Coloboma, heart anomaly, choanal atresia, retardation, genital and ear anomalies; CHARGE association; Hall-Hittner syndrome. Identifiers: Orphanet 138, MedGen C0265354, MONDO:0008965.
Hypogonadotropic hypogonadism 5 with or without anosmia (KAL5). Also called: CHD7-Related GnRH Deficiency (Kallmann Syndrome 5); HYPOGONADOTROPIC HYPOGONADISM 5 WITH ANOSMIA; HYPOGONADOTROPHIC HYPOGONADISM 5 WITHOUT ANOSMIA. Identifiers: Orphanet 478, MedGen C3552553, MONDO:0012880, OMIM 612370. Disease mechanism: loss of function.

Allele frequency attached by ClinVar (database versions not stated): gnomAD exomes below 0.00001 and 0.00002; ExAC 0.00001; gnomAD 0.00001 and 0.00002; TOPMed 0.00002; 1000 Genomes Project 30x 0.00016; 1000 Genomes Project 0.00020.
gnomAD v4.1: 31 of 1,588,972 alleles (0.002%); highest among the groups gnomAD compares: African/African-American, 0.004%; no homozygotes.

Submissions (2):

Labcorp Genetics (formerly Invitae), Labcorp
Classification: Benign for CHARGE syndrome. Last evaluated: 2023-10-28. Review status: criteria provided, single submitter. Criteria: Invitae Variant Classification Sherloc (09022015). Collection method: clinical testing. Allele origin: germline.

PreventionGenetics, part of Exact Sciences
Classification: Uncertain significance for CHD7-related condition. Last evaluated: 2024-03-01. Review status: no assertion criteria provided. Collection method: clinical testing. Allele origin: germline. Not counted in ClinVar's aggregate classification.
Comment: The CHD7 c.7199G>A variant is predicted to result in the amino acid substitution p.Arg2400Gln. This variant was reported as a variant of uncertain significance in an individual with normosmic congenital hypogonadotropic hypogonadism, however no additional studies were done to test its pathogenicity (Cassatella et al. 2018. PubMed ID: 29419413). This variant is reported in 0.0069% of alleles in individuals of African descent in gnomAD. At this time, the clinical significance of this variant is uncertain due to the absence of conclusive functional and genetic evidence.

NM_017780.4(CHD7):c.7199G>A (p.Arg2400Gln)

Gene: CHD7 (chromodomain helicase DNA binding protein 7; plus strand). Cytogenetic location: 8q12.2.
Variant type: single nucleotide variant.
Coding change: c.7199G>A on transcript NM_017780.4 (MANE Select); coding-DNA position 7199, G replaced by A.
Protein change: p.Arg2400Gln; replaces arginine 2400 with glutamine.
Molecular consequence: missense variant. On other transcripts: intron variant (1).
Genome position (GRCh38, 1-based): chr8:60,856,479, G>A. VCF-style: chr8-60856479-G-A. GRCh37 (hg19) VCF-style: chr8-61769038-G-A.
Other names: c.1717-5750G>A (NM_001316690.1); short protein forms R2400Q.
Identifiers: ClinVar variation 459562 (VCV000459562.13), dbSNP rs534510177, ClinGen allele CA4760775.